The following is an entry in ClinVar:

NM_001005242.3(PKP2):c.1803T>C (p.Ile601=)

Gene: PKP2 (plakophilin 2; minus strand). Cytogenetic location: 12p11.21.
Variant type: single nucleotide variant.
Coding change: c.1803T>C on transcript NM_001005242.3 (MANE Select); coding-DNA position 1803, T replaced by C.
Protein change: p.Ile601=; no amino-acid change (isoleucine 601 retained).
Molecular consequence: synonymous variant. On other transcripts: intron variant (1).
Genome position (GRCh38, 1-based): chr12:32,822,503, A>G on the plus strand (T>C on the coding strand, the complement: PKP2 is on the minus strand). VCF-style: chr12-32822503-A-G. GRCh37 (hg19) VCF-style: chr12-32975437-A-G.
Other names: c.1803T>C, p.Ile601= (NM_001407155.1, NM_001407161.1); c.1935T>C, p.Ile645= (NM_001407157.1, NM_004572.4); c.1476T>C, p.Ile492= (NM_001407158.1, NM_001407159.1, NM_001407160.1 and 1 more transcripts); c.1675-974T>C (NM_001407156.1).
Identifiers: ClinVar variation 3387470 (VCV003387470.1).

ClinVar aggregate classification (germline): Likely benign (1 of 4 stars; one submission).

Conditions:
Arrhythmogenic right ventricular cardiomyopathy (ARVD). Also called: Arrhythmogenic right ventricular dysplasia; Cardiomyopathy, ARVC; Arrhythmogenic cardiomyopathy; Arrhythmogenic Right Ventricular Cardiomyopathy (ARVC). Identifiers: Orphanet 247, MedGen C0349788, MeSH D019571, MONDO:0016587. Disease mechanism: loss of function. Inheritance: Various modes of inheritance.

gnomAD v4.1: 1 of 1,613,972 alleles (0.000062%); highest among the groups gnomAD compares: Non-Finnish European, 0.000085%; no homozygotes.

Submission:

All of Us Research Program, National Institutes of Health
Classification: Likely benign for Arrhythmogenic right ventricular cardiomyopathy. Last evaluated: 2024-03-24. Review status: criteria provided, single submitter. Criteria: ACMG Guidelines, 2015. Collection method: clinical testing. Allele origin: germline. Inheritance: Autosomal dominant inheritance. Observed: 1 variant allele, 1 heterozygote.
Comment: This study involves interpretation of variants in research participants for the purpose of population health screening. Participant phenotype was not available at the time of variant classification. Additional details can be found in publication PMID: 35346344, PMCID: PMC8962531